The following is an entry in ClinVar:

NM_000329.3(RPE65):c.354G>T (p.Arg118Ser)

Gene: RPE65 (retinoid isomerohydrolase RPE65; minus strand). Cytogenetic location: 1p31.3.
Variant type: single nucleotide variant.
Coding change: c.354G>T on transcript NM_000329.3 (MANE Select); coding-DNA position 354, G replaced by T.
Protein change: p.Arg118Ser; replaces arginine 118 with serine.
Molecular consequence: missense variant.
Genome position (GRCh38, 1-based): chr1:68,444,672, C>A on the plus strand (G>T on the coding strand, the complement: RPE65 is on the minus strand). VCF-style: chr1-68444672-C-A. GRCh37 (hg19) VCF-style: chr1-68910355-C-A.
Other names: NM_000329.3(RPE65):c.354G>T; p.Arg118Ser; short protein forms R118S.
Identifiers: ClinVar variation 870345 (VCV000870345.2), dbSNP rs1015895028, ClinGen allele CA340748033.

ClinVar aggregate classification (germline): Pathogenic. Review status: reviewed by expert panel (3 of 4 stars). 2 submissions from 2 submitters: Pathogenic (1). 1 of the submissions does not count toward it. Last evaluated 2024-07-23.

Conditions:
RPE65-related recessive retinopathy. Also called: Recessive RPE65 retinopathy. Identifiers: MedGen CN305526, MONDO:0100368.
Leber congenital amaurosis 2 (LCA2). Also called: Autosomal Recessive RPE65-Related Retinal Degeneration; AMAUROSIS CONGENITA OF LEBER II. Identifiers: Orphanet 65, MedGen C1859844, MONDO:0008765, OMIM 204100. Disease mechanism: loss of function.

Submissions (2):

ClinGen Leber Congenital Amaurosis/early Onset Retinal Dystrophy Variant Curation Expert Panel, ClinGen
Classification: Pathogenic for RPE65-related recessive retinopathy. Last evaluated: 2024-07-23. Review status: reviewed by expert panel. Criteria: ClinGen LCAeoRD ACMG Specifications RPE65 V1.0.0. Collection method: curation. Allele origin: germline. Inheritance: Autosomal recessive inheritance.
Comment: NM_000329.3(RPE65):c.354G>T (p.Arg118Ser) is a variant that occurs at the first base of exon 5 and potentially impacts the gene at both the protein and RNA levels. At the protein level, this variant is a missense substitution within the membrane-interacting region between amino acids 107 and 125, which is a well-characterized functional domain required for proper localization to the ER membrane (PM1, PMID: 36265895). At the RNA level, the splicing impact predictor SpliceAI gives a score of 0.73, which is above the ClinGen LCA/eoRD VCEP recommended threshold of ≥0.2 and predicts a damaging impact on splicing. This variant is predicted to have the same splicing impact as NM_000329.3(RPE65):c.354-2A>G, a canonical splice variant within the same donor/acceptor motif that was previously classified as pathogenic by the LCA / eoRD VCEP, however, PS1_Moderate was not scored due to mutual exclusivity with the PM1 code. The computational predictor REVEL gives a score of 0.87, which is above the ClinGen LCA / eoRD VCEP threshold of ≥0.773 and predicts a damaging effect on RPE65 function (PP3_Moderate). This variant is present in gnomAD v.4.1.0 at a GrpMax allele frequency of 0.00001333, with 1 allele / 75008 total alleles in the African / African American population, which is lower than the ClinGen LCA / eoRD VCEP PM2_Supporting threshold of <0.0002 (PM2_Supporting). This variant has been reported in at least 1 proband with early-onset severe retinal dystrophy who was compound heterozygous with the NM_000329.3(RPE65):c.1328T>C (p.Val443Ala) variant confirmed in trans, which was previously classified likely pathogenic by the ClinGen LCA / eoRD VCEP (1 total point, PMID: 20811047, PM3). At least one proband harboring this variant exhibits a phenotype including diagnosis at age 8 months (1 pt), nystagmus (1 pt), sluggish pupils (0.5 pts), night blindness (0.5 pts), abnormal electroretinogram responses from both rods (0.5pts) and cones (1 pt), poor side vision (1 pt), optic nerve pallor (0.5 pts), retinal pigment epithelium mottling (0.5 pts), and significant improvement in visual field sensitivity and visual acuity following Luxterna gene therapy (2 pts), which together are highly specific for RPE65-related recessive retinopathy (total 8.5 points, PMIDs: 20811047, 29869534, 27102010, PP4_Moderate). The variant has been reported to segregate with childhood-onset severe retinal dystrophy through the proband plus 1 similarly affected relative, with the variant present in the compound heterozygous state (PMID: 20811047, PP1). In summary, this variant meets the criteria to be classified as pathogenic for RPE65-related recessive retinopathy based on the ACMG/AMP criteria applied, as specified by the ClinGen LCA / eoRD VCEP: PM1, PM2_Supporting, PM3, PP1, PP3_Moderate, and PP4_Moderate. (VCEP specifications version 1.0.0; date of approval 09/21/2023).

SIB Swiss Institute of Bioinformatics
Classification: Uncertain significance for Leber congenital amaurosis 2. Last evaluated: 2020-02-14. Review status: criteria provided, single submitter. Criteria: ACMG Guidelines, 2015. Collection method: curation. Allele origin: unknown. Not counted in ClinVar's aggregate classification.
Comment: This variant is interpreted as a variant of uncertain significance for Leber congenital amaurosis 2, autosomal recessive. The following ACMG Tag(s) were applied: PM2, PP3.

Literature cited by the submitters: PubMed 17964524 (cited by SIB Swiss Institute of Bioinformatics).